The following is an entry in ClinVar:

NM_003074.4(SMARCC1):c.2782-8G>C

Gene: SMARCC1 (SWI/SNF related BAF chromatin remodeling complex subunit C1; minus strand). Cytogenetic location: 3p21.31.
Variant type: single nucleotide variant.
Coding change: c.2782-8G>C on transcript NM_003074.4 (MANE Select); 8 bases into the intron before coding-DNA position 2782, G replaced by C.
Molecular consequence: intron variant.
Genome position (GRCh38, 1-based): chr3:47,610,335, C>G on the plus strand (G>C on the coding strand, the complement: SMARCC1 is on the minus strand). VCF-style: chr3-47610335-C-G. GRCh37 (hg19) VCF-style: chr3-47651825-C-G.
Identifiers: ClinVar variation 3036852 (VCV003036852.2), dbSNP rs369706664, ClinGen allele CA2368748.
Genomic context (GRCh38, chr3:47,610,335, plus strand): 5'-TCCATGTGGAAGTTTTGGCGTTCAGTAAGCAACTGCTGCCTCTGTTGTTCTAGCTGTAAG[C>G]AAAGGAAGTGGAAGAGAAATGACACCAGAAGAGGCTTTCAGGATTGGATAACACAAAGGA-3'

ClinVar aggregate classification (germline): Likely benign (0 of 4 stars; one submission).

Conditions:
SMARCC1-related disorder. Also called: SMARCC1-related condition.

Allele frequency attached by ClinVar (database versions not stated): gnomAD 0.00018; ESP Exome Variant Server 0.00038.
gnomAD v4.1: 780 of 1,613,900 alleles (0.048%); highest among the groups gnomAD compares: Non-Finnish European, 0.064%; 4 homozygotes.

Submission:

PreventionGenetics, part of Exact Sciences
Classification: Likely benign for SMARCC1-related condition. Last evaluated: 2024-02-09. Review status: no assertion criteria provided. Collection method: clinical testing. Allele origin: germline.
Comment: This variant is classified as likely benign based on ACMG/AMP sequence variant interpretation guidelines (Richards et al. 2015 PMID: 25741868, with internal and published modifications).